The following is an entry in ClinVar:

ClinVar aggregate classification (germline): Uncertain significance (1 of 4 stars; one submission).

Conditions:
Ataxia-telangiectasia syndrome (AT). Also called: Cerebello-oculocutaneous telangiectasia; Immunodeficiency with ataxia telangiectasia; LOUIS-BAR SYNDROME; ATAXIA-TELANGIECTASIA, COMPLEMENTATION GROUP A; ATAXIA-TELANGIECTASIA, FRESNO VARIANT; Ataxia-telangiectasia, complementation group D. Identifiers: Orphanet 100, MedGen C0004135, MONDO:0008840, OMIM 208900.

Submission:

Labcorp Genetics (formerly Invitae), Labcorp
Classification: Uncertain significance for Ataxia-telangiectasia syndrome. Last evaluated: 2021-03-13. Review status: criteria provided, single submitter. Criteria: Invitae Variant Classification Sherloc (09022015). Collection method: clinical testing. Allele origin: germline.
Comment: In summary, the available evidence is currently insufficient to determine the role of this variant in disease. Therefore, it has been classified as a Variant of Uncertain Significance. Advanced modeling of protein sequence and biophysical properties (such as structural, functional, and spatial information, amino acid conservation, physicochemical variation, residue mobility, and thermodynamic stability) performed at Invitae indicates that this missense variant is not expected to disrupt ATM protein function. This sequence change replaces isoleucine with leucine at codon 159 of the ATM protein (p.Ile159Leu). The isoleucine residue is moderately conserved and there is a small physicochemical difference between isoleucine and leucine. This variant is not present in population databases (ExAC no frequency). This variant has not been reported in the literature in individuals with ATM-related conditions.

NM_000051.4(ATM):c.475A>C (p.Ile159Leu)

Gene: ATM (ATM serine/threonine kinase; plus strand). Cytogenetic location: 11q22.3.
Variant type: single nucleotide variant.
Coding change: c.475A>C on transcript NM_000051.4 (MANE Select); coding-DNA position 475, A replaced by C.
Protein change: p.Ile159Leu; replaces isoleucine 159 with leucine.
Molecular consequence: missense variant.
Genome position (GRCh38, 1-based): chr11:108,235,813, A>C. VCF-style: chr11-108235813-A-C. GRCh37 (hg19) VCF-style: chr11-108106540-A-C.
Other names: c.475A>C, p.Ile159Leu (NM_001351834.2); short protein forms I159L.
Identifiers: ClinVar variation 1378701 (VCV001378701.8), dbSNP rs1565357315, ClinGen allele CA382525586.
Genomic context (GRCh38, chr11:108,235,813, plus strand): 5'-GCTGATTGTAGCAACATACTACTCAAAGACATTCTTTCTGTGAGAAAATACTGGTGTGAA[A>C]TATCTCAGCAACAGTGGTTAGGTATGTTTTGAAGGTTGTTGTTTGTGAATTTTTCCTCAT-3'
Protein context (NP_000042.3, residues 149-169): ILSVRKYWCE[Ile159Leu]SQQQWLELFS